The following is an entry in ClinVar:

ClinVar aggregate classification (germline): Uncertain significance (1 of 4 stars; one submission).

Conditions:
Catecholaminergic polymorphic ventricular tachycardia (CVPT). Also called: Catecholamine-induced polymorphic ventricular tachycardia. Identifiers: Orphanet 3286, MedGen C5574922, MONDO:0017990.

Allele frequency attached by ClinVar (database versions not stated): gnomAD exomes below 0.00001.
gnomAD v4.1: 1 of 1,612,250 alleles (0.000062%); highest among the groups gnomAD compares: Non-Finnish European, 0.000085%; no homozygotes.

Submission:

All of Us Research Program, National Institutes of Health
Classification: Uncertain significance for Catecholaminergic polymorphic ventricular tachycardia. Last evaluated: 2024-01-11. Review status: criteria provided, single submitter. Criteria: ACMG Guidelines, 2015. Collection method: clinical testing. Allele origin: germline. Inheritance: Autosomal dominant inheritance. Observed: 1 variant allele, 1 heterozygote.
Comment: This study involves interpretation of variants in research participants for the purpose of population health screening. Participant phenotype was not available at the time of variant classification. Additional details can be found in publication PMID: 35346344, PMCID: PMC8962531

NM_001035.3(RYR2):c.14590+1G>A

Gene: RYR2 (ryanodine receptor 2; plus strand). Cytogenetic location: 1q43.
Variant type: single nucleotide variant.
Coding change: c.14590+1G>A on transcript NM_001035.3 (MANE Select); the canonical splice donor site of the intron after coding-DNA position 14590, G replaced by A.
Molecular consequence: splice donor variant.
Genome position (GRCh38, 1-based): chr1:237,819,193, G>A. VCF-style: chr1-237819193-G-A. GRCh37 (hg19) VCF-style: chr1-237982493-G-A.
Identifiers: ClinVar variation 3075350 (VCV003075350.1), dbSNP rs2528297767, ClinGen allele CA345426889.